The following is an entry in ClinVar:

ClinVar aggregate classification (germline): Uncertain significance (1 of 4 stars; one submission).

Conditions:
Pseudo-Hurler polydystrophy. Also called: ML III; ML III ALPHA/BETA; Type III Mucolipidosis; ML IIIA; Mucolipidosis III Alpha/Beta; MUCOLIPIDOSIS IIIA. Identifiers: Orphanet 423461, Orphanet 577, MedGen C0033788, MONDO:0018931, OMIM 252600.
Mucolipidosis type II. Also called: ML II ALPHA/BETA; Mucolipidosis 2; ML 2; Inclusion cell disease; Leroy Disease; N-acetylglucosamine 1phosphotransferase deficiency. Identifiers: Orphanet 576, MedGen C2673377, MONDO:0009650, OMIM 252500.

gnomAD v4.1: 2 of 1,613,412 alleles (0.00012%); highest among the groups gnomAD compares: Non-Finnish European, 0.00017%; no homozygotes.

Submission:

Labcorp Genetics (formerly Invitae), Labcorp
Classification: Uncertain significance for Pseudo-Hurler polydystrophy; Mucolipidosis type II. Last evaluated: 2021-09-01. Review status: criteria provided, single submitter. Criteria: Invitae Variant Classification Sherloc (09022015). Collection method: clinical testing. Allele origin: germline.
Comment: This sequence change replaces arginine with glycine at codon 787 of the GNPTAB protein (p.Arg787Gly). The arginine residue is moderately conserved and there is a moderate physicochemical difference between arginine and glycine. This variant is not present in population databases (ExAC no frequency). This variant has not been reported in the literature in individuals affected with GNPTAB-related conditions. Advanced modeling of protein sequence and biophysical properties (such as structural, functional, and spatial information, amino acid conservation, physicochemical variation, residue mobility, and thermodynamic stability) performed at Invitae indicates that this missense variant is not expected to disrupt GNPTAB protein function. In summary, the available evidence is currently insufficient to determine the role of this variant in disease. Therefore, it has been classified as a Variant of Uncertain Significance.

NM_024312.5(GNPTAB):c.2359A>G (p.Arg787Gly)

Gene: GNPTAB (N-acetylglucosamine-1-phosphate transferase subunits alpha and beta; minus strand). Cytogenetic location: 12q23.2.
Variant type: single nucleotide variant.
Coding change: c.2359A>G on transcript NM_024312.5 (MANE Select); coding-DNA position 2359, A replaced by G.
Protein change: p.Arg787Gly; replaces arginine 787 with glycine.
Molecular consequence: missense variant.
Genome position (GRCh38, 1-based): chr12:101,764,558, T>C on the plus strand (A>G on the coding strand, the complement: GNPTAB is on the minus strand). VCF-style: chr12-101764558-T-C. GRCh37 (hg19) VCF-style: chr12-102158336-T-C.
Other names: short protein forms R787G.
Identifiers: ClinVar variation 1473706 (VCV001473706.5), dbSNP rs200559243, ClinGen allele CA386298416.